The following is an entry in ClinVar:

NM_001242896.3(DEPDC5):c.1566C>T (p.Asp522=)

Gene: DEPDC5 (DEP domain containing 5, GATOR1 subcomplex subunit; plus strand). Cytogenetic location: 22q12.3.
Variant type: single nucleotide variant.
Coding change: c.1566C>T on transcript NM_001242896.3 (MANE Select); coding-DNA position 1566, C replaced by T.
Protein change: p.Asp522=; no amino-acid change (aspartic acid 522 retained).
Molecular consequence: synonymous variant. On other transcripts: non-coding transcript variant (5).
Genome position (GRCh38, 1-based): chr22:31,815,112, C>T. VCF-style: chr22-31815112-C-T. GRCh37 (hg19) VCF-style: chr22-32211098-C-T.
Other names: c.1566C>T, p.Asp522= (NM_001007188.4, NM_001136029.4, NM_001242897.2 and 7 more transcripts); c.1482C>T, p.Asp494= (NM_001369901.1, NM_001369902.1).
Identifiers: ClinVar variation 1094349 (VCV001094349.30), dbSNP rs200893602, ClinGen allele CA10196404.

ClinVar aggregate classification (germline): Likely benign. Review status: criteria provided, multiple submitters, no conflicts (2 of 4 stars). 3 submissions from 3 submitters: Likely benign (3). Last evaluated 2024-04-01.

Conditions:
Familial focal epilepsy with variable foci (FPEVF). Identifiers: Orphanet 98820, MedGen C1858477, MONDO:0020310.

Allele frequency attached by ClinVar (database versions not stated): gnomAD exomes 0.00001; ExAC 0.00002; 1000 Genomes Project 0.00020; 1000 Genomes Project 30x 0.00031.
gnomAD v4.1: 25 of 1,614,174 alleles (0.0015%); highest among the groups gnomAD compares: East Asian, 0.0089%; no homozygotes.

Submissions (3):

CeGaT Center for Human Genetics Tuebingen
Classification: Likely benign. Last evaluated: 2024-04-01. Review status: criteria provided, single submitter. Criteria: CeGaT Center For Human Genetics Tuebingen Variant Classification Criteria Version 2. Collection method: clinical testing. Allele origin: germline. Affected: yes. Observed: 1 variant allele.
Comment: DEPDC5: BP4, BP7

Labcorp Genetics (formerly Invitae), Labcorp
Classification: Likely benign for Familial focal epilepsy with variable foci. Last evaluated: 2024-01-24. Review status: criteria provided, single submitter. Criteria: Invitae Variant Classification Sherloc (09022015). Collection method: clinical testing. Allele origin: germline.

Blueprint Genetics
Classification: Likely benign. Last evaluated: 2021-08-15. Review status: criteria provided, single submitter. Criteria: ACMG Guidelines, 2015. Collection method: clinical testing. Allele origin: germline.